The following is an entry in ClinVar:

NM_001367721.1(CASK):c.764G>A (p.Arg255His)

Gene: CASK (calcium/calmodulin dependent serine protein kinase; minus strand). Cytogenetic location: Xp11.4.
Variant type: single nucleotide variant.
Coding change: c.764G>A on transcript NM_001367721.1 (MANE Select); coding-DNA position 764, G replaced by A.
Protein change: p.Arg255His; replaces arginine 255 with histidine.
Molecular consequence: missense variant.
Genome position (GRCh38, 1-based): chrX:41,660,506, C>T on the plus strand (G>A on the coding strand, the complement: CASK is on the minus strand). VCF-style: chrX-41660506-C-T. GRCh37 (hg19) VCF-style: chrX-41519759-C-T.
Other names: c.764G>A, p.Arg255His (NM_001126054.3, NM_001126055.3, NM_001410745.1 and 1 more transcripts); short protein forms R255H.
Identifiers: ClinVar variation 158084 (VCV000158084.25), dbSNP rs587783369, ClinGen allele CA251025.

ClinVar aggregate classification (germline): Conflicting classifications of pathogenicity. Review status: criteria provided, conflicting classifications (1 of 4 stars). 12 submissions from 12 submitters: Pathogenic (4); Likely pathogenic (6); Uncertain significance (1). 1 of the submissions does not count toward it. Last evaluated 2025-08-27.

Conditions:
Syndromic X-linked intellectual disability Najm type (MICPCH). Also called: Intellectual Disability and Microcephaly with Pontine and Cerebellar Hypoplasia; MICPCH SYNDROME; Intellectual developmental disorder and microcephaly with pontine and cerebellar hypoplasia; Mental retardation and microcephaly with pontine and cerebellar hypoplasia; MENTAL RETARDATION, X-LINKED, SYNDROMIC, NAJM TYPE; Intellectual Disability and Microcephaly with Pontine and Cerebellar Hypoplasia (MICPCH). Identifiers: Orphanet 163937, MedGen C2677903, MONDO:0010417, OMIM 300749.
FG syndrome 4 (FGS4). Identifiers: MedGen C1845546, MONDO:0010318, OMIM 300422.
Intellectual disability, CASK-related, X-linked. Identifiers: MedGen CN043158.

Submissions (12):

Department of Molecular Genetics, Istishari Arab Hospital
Classification: Likely pathogenic for Syndromic X-linked intellectual disability Najm type. Last evaluated: 2025-08-27. Review status: criteria provided, single submitter. Criteria: ACMG Guidelines, 2015. Collection method: clinical testing. Allele origin: germline. Inheritance: X-linked inheritance. Affected: yes.
Comment: The CASK variant c.764G>A, p.Arg255His causes an amino acid change from Arg to His at position 255. This variant was previously reported in patients with CASK-related disorders (PMID: 35550617, 32989192, 24278995, 28944139). The variant is not observed in the gnomAD v4.1.0 dataset. It is classified as likely pathogenic based on ACMG/AMP/ClinGen SVI guidelines.

GeneDx
Classification: Pathogenic. Last evaluated: 2024-05-17. Review status: criteria provided, single submitter. Criteria: GeneDx Variant Classification Process June 2021. Collection method: clinical testing. Allele origin: germline. Affected: yes.
Comment: In silico analysis supports that this missense variant has a deleterious effect on protein structure/function; Not observed at significant frequency in large population cohorts (gnomAD); This variant is associated with the following publications: (PMID: 36198807, 33057194, 35982159, 35550617, Zhang2023[Case Report], 32989192)

Revvity Omics, Revvity
Classification: Likely pathogenic. Last evaluated: 2024-03-08. Review status: criteria provided, single submitter. Criteria: ACMG Guidelines, 2015. Collection method: clinical testing. Allele origin: germline.

Molecular Genetics laboratory, Necker Hospital
Classification: Pathogenic for Syndromic X-linked intellectual disability Najm type. Last evaluated: 2024-01-19. Review status: criteria provided, single submitter. Criteria: ACMG Guidelines, 2015. Collection method: clinical testing. Allele origin: de novo. Inheritance: X-linked inheritance. Affected: yes. Observed: 1 variant allele.

Victorian Clinical Genetics Services, Murdoch Childrens Research Institute
Classification: Pathogenic for Syndromic X-linked intellectual disability Najm type. Last evaluated: 2023-12-21. Review status: criteria provided, single submitter. Criteria: ACMG Guidelines, 2015. Collection method: clinical testing. Allele origin: germline. Inheritance: X-linked dominant inheritance. Affected: yes.
Comment: Based on the classification scheme VCGS_Germline_v1.3.4, this variant is classified as Pathogenic. Following criteria are met: 0102 - Loss of function is a known mechanism of disease in this gene and is associated with intellectual developmental disorder and microcephaly with pontine and cerebellar hypoplasia (MIM#300749) and intellectual disability with or without nystagmus (MIM#300422). (I) 0110 - This gene is associated with X-linked disease. However, intellectual developmental disorder, with or without nystagmus (MIM#300422) is associated with hypomorphic variants that typically cause symptoms in hemizygous males but not in heterozygous females (PMID: 24278995). (I) 0200 - Variant is predicted to result in a missense amino acid change from arginine to histidine. (I) 0253 - This variant is hemizygous. (I) 0301 - Variant is absent from gnomAD (both v2 and v3). (SP) 0502 - Missense variant with conflicting in silico predictions and uninformative conservation. (I) 0603 - Missense variant in a region that is highly intolerant to missense variation (high constraint region in DECIPHER). (SP) 0801 - This variant has strong previous evidence of pathogenicity in unrelated individuals. This variant has been reported as pathogenic in ClinVar and as de novo in three unrelated individuals with CASK-related symptoms (ClinVar, PMID: 32989192, 35550617). (SP) Legend: (SP) - Supporting pathogenic, (I) - Information, (SB) - Supporting benign

3billion
Classification: Likely pathogenic for FG syndrome 4. Last evaluated: 2023-11-13. Review status: criteria provided, single submitter. Criteria: ACMG Guidelines, 2015. Collection method: clinical testing. Allele origin: germline. Affected: yes.
Comment: The variant is not observed in the gnomAD v2.1.1 dataset. Predicted Consequence/Location: Missense changes are a common disease-causing mechanism. Same nucleotide change resulting in same amino acid change has been previously reported as pathogenic/likely pathogenic with strong evidence (ClinVar ID: VCV000158084 /PMID: 35550617). Different missense changes at the same codon (p.Arg255Cys) has been reported to be associated with CASK-related disorder (ClinVar ID: VCV000421141 /PMID: 28944139). Therefore, this variant is classified as Likely pathogenic according to the recommendation of ACMG/AMP guideline.

Labcorp Genetics (formerly Invitae), Labcorp
Classification: Uncertain significance for Intellectual disability, CASK-related, X-linked. Last evaluated: 2023-04-10. Review status: criteria provided, single submitter. Criteria: Invitae Variant Classification Sherloc (09022015). Collection method: clinical testing. Allele origin: germline.
Comment: ClinVar contains an entry for this variant (Variation ID: 158084). In summary, the available evidence is currently insufficient to determine the role of this variant in disease. Therefore, it has been classified as a Variant of Uncertain Significance. Advanced modeling of protein sequence and biophysical properties (such as structural, functional, and spatial information, amino acid conservation, physicochemical variation, residue mobility, and thermodynamic stability) has been performed at Invitae for this missense variant, however the output from this modeling did not meet the statistical confidence thresholds required to predict the impact of this variant on CASK protein function. This variant has not been reported in the literature in individuals affected with CASK-related conditions. This variant is not present in population databases (gnomAD no frequency). This sequence change replaces arginine, which is basic and polar, with histidine, which is basic and polar, at codon 255 of the CASK protein (p.Arg255His).

Mendelics
Classification: Pathogenic for FG syndrome 4. Last evaluated: 2022-05-04. Review status: criteria provided, single submitter. Criteria: Mendelics Assertion Criteria 2019. Collection method: clinical testing. Allele origin: germline.

Broad Center for Mendelian Genomics, Broad Institute of MIT and Harvard
Classification: Likely pathogenic for Syndromic X-linked intellectual disability Najm type. Last evaluated: 2018-12-03. Review status: criteria provided, single submitter. Criteria: ACMG Guidelines, 2015. Collection method: research. Allele origin: germline. Inheritance: X-linked inheritance. Affected: yes.
Comment: This variant was absent from large population studies. Computational prediction tools and conservation analyses do not provide strong support for or against an impact to the protein. The CASK gene has a low rate of benign missense variation and there is a different pathogenic missense variant at the same position, p.Arg255Cys. These support the possibility that an amino acid change at this position may not be tolerated. This variant has also been reported in ClinVar with de novo inheritance (Variation ID: 158084). In summary, although additional studies are required to fully establish its clinical significance, the p.Arg255His variant is likely pathogenic. ACMG/AMP Criteria applied: PM2, PM5, PP2, PM6 (Richards 2015).

Genetic Services Laboratory, University of Chicago
Classification: Likely pathogenic for Mental retardation and microcephaly with pontine and cerebellar hypoplasia. Last evaluated: 2014-10-02. Review status: criteria provided, single submitter. Criteria: ACMG Guidelines, 2015. Collection method: clinical testing. Allele origin: germline. Affected: yes.

Juno Genomics, Hangzhou Juno Genomics, Inc
Classification: Likely pathogenic for FG syndrome 4; Syndromic X-linked intellectual disability Najm type. Review status: criteria provided, single submitter. Criteria: ACMG Guidelines, 2015. Collection method: clinical testing. Allele origin: germline. Affected: yes.
Comment: Absent from controls (or at extremely low frequency if recessive) in Genome Aggregation Database, Exome Sequencing Project, 1000 Genomes Project, or Exome Aggregation Consortium.;The prevalence of the variant in affected individuals is significantly increased compared to the prevalence in controls.;Assumed de novo, but without confirmation of paternity and maternity.;Missense variant in a gene that has a low rate of benign missense variation and where missense variants are a common mechanism of disease.;Novel missense change at an amino acid residue where a different missense change determined to be pathogenic has been seen before.

Center of Excellence for Medical Genomics, Chulalongkorn University
Classification: Likely pathogenic for FG syndrome 4. Last evaluated: 2002-09-08. Review status: no assertion criteria provided. Collection method: research. Allele origin: de novo. Affected: yes. Not counted in ClinVar's aggregate classification.

Literature cited by the submitters: PubMed 35550617 (cited by 4 submitters); PubMed 32989192 (cited by Department of Molecular Genetics, Istishari Arab Hospital and Victorian Clinical Genetics Services, Murdoch Childrens Research Institute); PubMed 24278995 (cited by Department of Molecular Genetics, Istishari Arab Hospital and Victorian Clinical Genetics Services, Murdoch Childrens Research Institute); PubMed 28944139 (cited by Department of Molecular Genetics, Istishari Arab Hospital and 3billion).